The following is an entry in ClinVar:

ClinVar aggregate classification (germline): Uncertain significance (1 of 4 stars; one submission).

Conditions:
Cardiomyopathy (CMYO). Also called: Cardiomyopathies. Identifiers: Orphanet 167848, MedGen C0878544, MONDO:0004994, HP:0001638. Inheritance: Various modes of inheritance.

Submission:

Color Diagnostics, LLC DBA Color Health
Classification: Uncertain significance for Cardiomyopathy. Last evaluated: 2019-04-09. Review status: criteria provided, single submitter. Criteria: ACMG Guidelines, 2015. Collection method: clinical testing. Allele origin: germline.
Comment: This variant deletes two nucleotides in exon 60 of the RYR2 gene, causing a frameshift and premature translational stop signal. This variant is expected to result in an absent or non-functional protein product. To our knowledge, functional assays have not been performed for this variant nor this variant has been reported in individuals affected with cardiovascular disorders in the literature. This variant has not been identified in the general population by the Genome Aggregation Database (gnomAD). Disease-causing variants in RYR2 are mostly missense variants. Clinical relevance of RYR2 truncation variants is not fully understood. Available evidence is insufficient to determine the role of this variant in disease conclusively. Therefore, this variant is classified as a Variant of Uncertain Significance.

NM_001035.3(RYR2):c.8818_8819del (p.Ile2940fs)

Gene: RYR2 (ryanodine receptor 2; plus strand). Cytogenetic location: 1q43.
Variant type: Microsatellite.
Coding change: c.8818_8819del on transcript NM_001035.3 (MANE Select); coding-DNA positions 8818 to 8819, 2 bases deleted (AT; older notation c.8818_8819delAT).
Protein change: p.Ile2940fs; shifts the reading frame from isoleucine 2940.
Molecular consequence: frameshift variant.
Genome position (GRCh38, 1-based): chr1:237,674,834-237,674,835, AT deleted; deleting any 2 consecutive bases within chr1:237,674,831-237,674,835 gives the same sequence; the c. name uses the placement nearest the transcript's 3' end. VCF-style (leftmost placement, unchanged base first): chr1-237674830-GTA-G. GRCh37 (hg19) VCF-style: chr1-237838130-GTA-G.
Other names: short protein forms I2940fs.
Identifiers: ClinVar variation 628530 (VCV000628530.4), dbSNP rs1573467034, ClinGen allele CA913187859.